The following is an entry in ClinVar:

NM_000135.4(FANCA):c.4149C>A (p.Ser1383Arg)

Genes: ZNF276 (zinc finger protein 276; plus strand), FANCA (FA complementation group A; minus strand). Cytogenetic location: 16q24.3.
Variant type: single nucleotide variant.
Coding change: c.4149C>A on transcript NM_000135.4 (MANE Select); coding-DNA position 4149, C replaced by A.
Protein change: p.Ser1383Arg; replaces serine 1383 with arginine.
Molecular consequence: missense variant. On other transcripts: 3 prime UTR variant (2), non-coding transcript variant (4).
Genome position (GRCh38, 1-based): chr16:89,739,151, G>T on the plus strand (C>A on the coding strand, the complement: FANCA is on the minus strand). VCF-style: chr16-89739151-G-T. GRCh37 (hg19) VCF-style: chr16-89805559-G-T.
Other names: c.4149C>A, p.Ser1383Arg (NM_001286167.3); c.*905G>T (NM_001113525.2, NM_152287.4); short protein forms S1383R.
Identifiers: ClinVar variation 4254212 (VCV004254212.1).

ClinVar aggregate classification (germline): Uncertain significance (1 of 4 stars; one submission).

Conditions:
Inborn genetic diseases. Identifiers: MedGen C0950123, MeSH D030342.

gnomAD v4.1: 2 of 1,614,134 alleles (0.00012%); highest among the groups gnomAD compares: Non-Finnish European, 0.00017%; no homozygotes.

Submission:

Ambry Genetics
Classification: Uncertain significance for Inborn genetic diseases. Last evaluated: 2025-07-18. Review status: criteria provided, single submitter. Criteria: Ambry Variant Classification Scheme 2023. Collection method: clinical testing. Allele origin: germline.
Comment: The p.S1383R variant (also known as c.4149C>A), located in coding exon 41 of the FANCA gene, results from a C to A substitution at nucleotide position 4149. The serine at codon 1383 is replaced by arginine, an amino acid with dissimilar properties. This amino acid position is conserved. In addition, this alteration is predicted to be tolerated by in silico analysis. Based on the available evidence, the clinical significance of this variant remains unclear.